The following is an entry in ClinVar:

ClinVar aggregate classification (germline): Uncertain significance (1 of 4 stars; one submission).

Conditions:
Amyotrophic lateral sclerosis type 1 (ALS1). Also called: AMYOTROPHIC LATERAL SCLEROSIS 1, FAMILIAL. Identifiers: Orphanet 803, MedGen C1862939, MONDO:0007103, OMIM 105400.
Perry syndrome. Also called: PARKINSONISM WITH ALVEOLAR HYPOVENTILATION AND MENTAL DEPRESSION. Identifiers: Orphanet 178509, MedGen C1868594, MONDO:0008201, OMIM 168605.
Neuronopathy, distal hereditary motor, type 7B. Also called: NEURONOPATHY, DISTAL HEREDITARY MOTOR, AUTOSOMAL DOMINANT 14; NEURONOPATHY, DISTAL HEREDITARY MOTOR, HARDING TYPE VIIB; NEUROPATHY, DISTAL HEREDITARY MOTOR, HARDING TYPE VIIB; NEUROPATHY, DISTAL HEREDITARY MOTOR, WITH VOCAL CORD PARALYSIS, HARDING TYPE VIIB; Distal Hereditary Motor Neuronopathy Type 7B (dHMN7B); HMN VIIB. Identifiers: Orphanet 139589, MedGen C1843315, MONDO:0011879, OMIM 607641.

Submission:

Labcorp Genetics (formerly Invitae), Labcorp
Classification: Uncertain significance for Amyotrophic lateral sclerosis type 1; Neuronopathy, distal hereditary motor, type 7B; Perry syndrome. Last evaluated: 2022-08-09. Review status: criteria provided, single submitter. Criteria: Invitae Variant Classification Sherloc (09022015). Collection method: clinical testing. Allele origin: germline.
Comment: This variant has not been reported in the literature in individuals affected with DCTN1-related conditions. This variant is not present in population databases (gnomAD no frequency). This sequence change replaces threonine, which is neutral and polar, with arginine, which is basic and polar, at codon 141 of the DCTN1 protein (p.Thr141Arg). ClinVar contains an entry for this variant (Variation ID: 1398845). In summary, the available evidence is currently insufficient to determine the role of this variant in disease. Therefore, it has been classified as a Variant of Uncertain Significance. Algorithms developed to predict the effect of missense changes on protein structure and function (SIFT, PolyPhen-2, Align-GVGD) all suggest that this variant is likely to be tolerated.

NM_004082.5(DCTN1):c.422C>G (p.Thr141Arg)

Gene: DCTN1 (dynactin subunit 1; minus strand). Cytogenetic location: 2p13.1.
Variant type: single nucleotide variant.
Coding change: c.422C>G on transcript NM_004082.5 (MANE Select); coding-DNA position 422, C replaced by G.
Protein change: p.Thr141Arg; replaces threonine 141 with arginine.
Molecular consequence: missense variant. On other transcripts: intron variant (3).
Genome position (GRCh38, 1-based): chr2:74,374,333, G>C on the plus strand (C>G on the coding strand, the complement: DCTN1 is on the minus strand). VCF-style: chr2-74374333-G-C. GRCh37 (hg19) VCF-style: chr2-74601460-G-C.
Other names: c.20C>G, p.Thr7Arg (NM_001135041.3, NM_023019.4); c.401C>G, p.Thr134Arg (NM_001190837.2); c.371C>G, p.Thr124Arg (NM_001378991.1); c.343-2605C>G (NM_001190836.2); c.364-1385C>G (NM_001378992.1); c.394-2605C>G (NM_001135040.3); short protein forms T124R, T134R, T141R, T7R.
Identifiers: ClinVar variation 1398845 (VCV001398845.8), dbSNP rs2103694207, ClinGen allele CA347370165.